The following is an entry in ClinVar:

ClinVar aggregate classification (germline): Uncertain significance (1 of 4 stars; one submission).

Conditions:
Cardiovascular phenotype. Identifiers: MedGen CN230736.

Submission:

Ambry Genetics
Classification: Uncertain significance for Cardiovascular phenotype. Last evaluated: 2025-08-28. Review status: criteria provided, single submitter. Criteria: Ambry Variant Classification Scheme 2023. Collection method: clinical testing. Allele origin: germline.
Comment: The p.R961G variant (also known as c.2881A>G), located in coding exon 18 of the SOS1 gene, results from an A to G substitution at nucleotide position 2881. The arginine at codon 961 is replaced by glycine, an amino acid with dissimilar properties. This amino acid position is conserved. In addition, this alteration is predicted to be deleterious by in silico analysis. Based on the available evidence, the clinical significance of this variant remains unclear.

NM_005633.4(SOS1):c.2881A>G (p.Arg961Gly)

Gene: SOS1 (SOS Ras/Rac guanine nucleotide exchange factor 1; minus strand). Cytogenetic location: 2p22.1.
Variant type: single nucleotide variant.
Coding change: c.2881A>G on transcript NM_005633.4 (MANE Select); coding-DNA position 2881, A replaced by G.
Protein change: p.Arg961Gly; replaces arginine 961 with glycine.
Molecular consequence: missense variant.
Genome position (GRCh38, 1-based): chr2:38,997,336, T>C on the plus strand (A>G on the coding strand, the complement: SOS1 is on the minus strand). VCF-style: chr2-38997336-T-C. GRCh37 (hg19) VCF-style: chr2-39224477-T-C.
Other names: c.2860A>G, p.Arg954Gly (NM_001382394.1); c.2881A>G, p.Arg961Gly (NM_001382395.1); short protein forms R961G, R954G.
Identifiers: ClinVar variation 4171996 (VCV004171996.1).